The following is an entry in ClinVar:

NM_006361.6(HOXB13):c.507C>G (p.Tyr169Ter)

Gene: HOXB13 (homeobox B13; minus strand). Cytogenetic location: 17q21.32.
Variant type: single nucleotide variant.
Coding change: c.507C>G on transcript NM_006361.6 (MANE Select); coding-DNA position 507, C replaced by G.
Protein change: p.Tyr169Ter; replaces tyrosine 169 with a stop codon.
Molecular consequence: nonsense.
Genome position (GRCh38, 1-based): chr17:48,728,087, G>C on the plus strand (C>G on the coding strand, the complement: HOXB13 is on the minus strand). VCF-style: chr17-48728087-G-C. GRCh37 (hg19) VCF-style: chr17-46805449-G-C.
Other names: short protein forms Y169*.
Identifiers: ClinVar variation 2771706 (VCV002771706.3), dbSNP rs373766741, ClinGen allele CA400107308.

ClinVar aggregate classification (germline): Uncertain significance (1 of 4 stars; one submission).

Submission:

Labcorp Genetics (formerly Invitae), Labcorp
Classification: Uncertain significance. Last evaluated: 2023-10-25. Review status: criteria provided, single submitter. Criteria: Invitae Variant Classification Sherloc (09022015). Collection method: clinical testing. Allele origin: germline.
Comment: This sequence change creates a premature translational stop signal (p.Tyr169*) in the HOXB13 gene. It is expected to result in an absent or disrupted protein product. However, the current clinical and genetic evidence is not sufficient to establish whether loss-of-function variants in HOXB13 cause disease. This variant is not present in population databases (gnomAD no frequency). This variant has not been reported in the literature in individuals affected with HOXB13-related conditions. In summary, the available evidence is currently insufficient to determine the role of this variant in disease. Therefore, it has been classified as a Variant of Uncertain Significance.